The following is an entry in ClinVar:

NM_000195.5(HPS1):c.1513C>T (p.Gln505Ter)

Gene: HPS1 (HPS1 biogenesis of lysosomal organelles complex 3 subunit 1; minus strand). Cytogenetic location: 10q24.2.
Variant type: single nucleotide variant.
Coding change: c.1513C>T on transcript NM_000195.5 (MANE Select); coding-DNA position 1513, C replaced by T.
Protein change: p.Gln505Ter; replaces glutamine 505 with a stop codon.
Molecular consequence: nonsense.
Genome position (GRCh38, 1-based): chr10:98,423,772, G>A on the plus strand (C>T on the coding strand, the complement: HPS1 is on the minus strand). VCF-style: chr10-98423772-G-A. GRCh37 (hg19) VCF-style: chr10-100183529-G-A.
Other names: NM_001322489.2:c.541C>T; c.541C>T, p.Gln181Ter (NM_001311345.2, NM_001322487.2, NM_001322489.2); c.1513C>T, p.Gln505Ter (NM_001322476.2, NM_001322477.2); c.1414C>T, p.Gln472Ter (NM_001322478.2, NM_001322479.2); c.1252C>T, p.Gln418Ter (NM_001322480.2, NM_001322481.2); c.1153C>T, p.Gln385Ter (NM_001322482.2); c.1144C>T, p.Gln382Ter (NM_001322483.2, NM_001322484.2); c.1045C>T, p.Gln349Ter (NM_001322485.2); short protein forms Q181*, Q349*, Q382*, Q385*, Q418*, Q472*, Q505*.
Identifiers: ClinVar variation 1341397 (VCV001341397.5), dbSNP rs769446880, ClinGen allele CA5639008.

ClinVar aggregate classification (germline): Pathogenic/Likely pathogenic. Review status: criteria provided, multiple submitters, no conflicts (2 of 4 stars). 5 submissions from 5 submitters: Pathogenic (3); Likely pathogenic (2). Last evaluated 2025-01-01.

Conditions:
Hermansky-Pudlak syndrome 1 (HPS1). Also called: DELTA STORAGE POOL DISEASE. Identifiers: Orphanet 231500, Orphanet 79430, MedGen C2931875, MONDO:0008748, OMIM 203300.
Hermansky-Pudlak syndrome (HPS). Also called: ALBINISM WITH HEMORRHAGIC DIATHESIS AND PIGMENTED RETICULOENDOTHELIAL CELLS. Identifiers: Orphanet 79430, MedGen C0079504, MONDO:0019312.

Allele frequency attached by ClinVar (database versions not stated): TOPMed below 0.00001; ExAC 0.00001; gnomAD exomes below 0.00001.
gnomAD v4.1: 5 of 1,614,122 alleles (0.00031%); highest among the groups gnomAD compares: Non-Finnish European, 0.00042%; no homozygotes.

Submissions (5):

Laboratory of Genetic Epidemiology, Research Centre for Medical Genetics
Classification: Pathogenic for Hermansky-Pudlak syndrome 1. Last evaluated: 2025-01-01. Review status: criteria provided, single submitter. Criteria: ACMG Guidelines, 2015. Collection method: clinical testing. Allele origin: biparental. Inheritance: Autosomal recessive inheritance. Affected: yes. Observed: 1 homozygote.
Comment: This variant has not been previously reported in the literature and is not listed in gnomAD v3.1.2.Taken together, the variant meets the following ACMG/AMP criteria and can be classified as pathogenic with PM2, PVS1, PM3, PP4 criteria.

Myriad Genetics, Inc.
Classification: Pathogenic for Hermansky-Pudlak syndrome 1. Last evaluated: 2024-10-02. Review status: criteria provided, single submitter. Criteria: Myriad Autosomal Dominant, Autosomal Recessive and X-Linked Classification Criteria (2023). Collection method: clinical testing. Allele origin: unknown.
Comment: NM_000195.3(HPS1):c.1513C>T(Q505*) is expected to be pathogenic in the context of Hermansky-Pudlak syndrome, HPS1-related. This variant is predicted to lead to an abnormal or absent protein product due to the creation of a premature termination codon in HPS1, a gene where loss-of-function variants are known to be pathogenic. Please note: this variant was assessed in the context of healthy population screening.

Fulgent Genetics
Classification: Likely pathogenic for Hermansky-Pudlak syndrome 1. Last evaluated: 2024-02-20. Review status: criteria provided, single submitter. Criteria: ACMG Guidelines, 2015. Collection method: clinical testing. Allele origin: germline.

Baylor Genetics
Classification: Likely pathogenic for Hermansky-Pudlak syndrome 1. Last evaluated: 2023-07-22. Review status: criteria provided, single submitter. Criteria: ACMG Guidelines, 2015. Collection method: clinical testing. Allele origin: unknown.

Broad Center for Mendelian Genomics, Broad Institute of MIT and Harvard
Classification: Pathogenic for Hermansky-Pudlak syndrome. Last evaluated: 2021-11-29. Review status: criteria provided, single submitter. Criteria: ACMG Guidelines, 2015. Collection method: curation. Allele origin: germline. Inheritance: Autosomal recessive inheritance.
Comment: The p.Gln505Ter variant in HPS1 has been reported in 1 individual, in the compound heterozygous state, with Hermansky-Pudlak syndrome (PMID: 32495608), and has been identified in 0.001% (1/113578) of European (non-Finnish) chromosomes by the Genome Aggregation Database (gnomAD; dbSNP ID: rs769446880). Although this variant has been seen in the general population in a heterozygous state, its frequency is low enough to be consistent with a recessive carrier frequency. This nonsense variant leads to a premature termination codon at position 505, which is predicted to lead to a truncated or absent protein. Loss of function of the HPS1 gene is an established disease mechanism in autosomal recessive Hermansky-Pudlak syndrome. In summary, this variant meets criteria to be classified as pathogenic for autosomal recessive Hermansky-Pudlak syndrome. ACMG/AMP Criteria applied: PM3, PM2_supporting, PVS1 (Richards 2015).

Literature cited by the submitters: PubMed 41428507 (cited by Laboratory of Genetic Epidemiology, Research Centre for Medical Genetics).